The following is an entry in ClinVar:

ClinVar aggregate classification (germline): Pathogenic (1 of 4 stars; one submission).

Conditions:
Cutis laxa, autosomal recessive, type 1B (ARCL1B). Also called: EFEMP2-Related Cutis Laxa; CUTIS LAXA, AUTOSOMAL RECESSIVE, TYPE IB. Identifiers: Orphanet 90349, MedGen C3280798, MONDO:0013754, OMIM 614437. Disease mechanism: loss of function.

Submission:

Labcorp Genetics (formerly Invitae), Labcorp
Classification: Pathogenic for Cutis laxa, autosomal recessive, type 1B. Last evaluated: 2024-04-17. Review status: criteria provided, single submitter. Criteria: Invitae Variant Classification Sherloc (09022015). Collection method: clinical testing. Allele origin: germline.
Comment: This sequence change creates a premature translational stop signal (p.Ile392Serfs*14) in the EFEMP2 gene. While this is not anticipated to result in nonsense mediated decay, it is expected to disrupt the last 52 amino acid(s) of the EFEMP2 protein. This variant is not present in population databases (gnomAD no frequency). This variant has not been reported in the literature in individuals affected with EFEMP2-related conditions. ClinVar contains an entry for this variant (Variation ID: 650648). Experimental studies and prediction algorithms are not available or were not evaluated, and the functional significance of this variant is currently unknown. This variant disrupts a region of the EFEMP2 protein in which other variant(s) (p.Ala397Thr) have been determined to be pathogenic (PMID: 20389311, 31384147). This suggests that this is a clinically significant region of the protein, and that variants that disrupt it are likely to be disease-causing. For these reasons, this variant has been classified as Pathogenic.

Literature cited by the submitters: PubMed 20389311; PubMed 31384147.

NM_016938.5(EFEMP2):c.1174del (p.Ile392fs)

Genes: EFEMP2 (EGF-like fibulin extracellular matrix protein 2; minus strand), MUS81 (MUS81 structure-specific endonuclease subunit; plus strand). Cytogenetic location: 11q13.1.
Variant type: Deletion.
Coding change: c.1174del on transcript NM_016938.5 (MANE Select); coding-DNA position 1174, one base deleted (A; older notation c.1174delA).
Protein change: p.Ile392fs; shifts the reading frame from isoleucine 392.
Molecular consequence: frameshift variant. On other transcripts: non-coding transcript variant (1).
Genome position (GRCh38, 1-based): chr11:65,867,076, T deleted on the plus strand (A on the coding strand, the reverse complement: EFEMP2 is on the minus strand); the first of 3 consecutive T bases (chr11:65,867,076-65,867,078); deleting any one gives the same sequence. VCF-style (leftmost placement, unchanged base first): chr11-65867075-AT-A. GRCh37 (hg19) VCF-style: chr11-65634546-AT-A.
Other names: c.1174delA (NM_016938.4); short protein forms I392fs.
Identifiers: ClinVar variation 650648 (VCV000650648.8), dbSNP rs1591064775, ClinGen allele CA915948201.